The following is an entry in ClinVar:

ClinVar aggregate classification (germline): Likely pathogenic (1 of 4 stars; one submission).

Allele frequency attached by ClinVar (database versions not stated): gnomAD exomes below 0.00001; TOPMed below 0.00001.
gnomAD v4.1: 2 of 1,608,470 alleles (0.00012%); highest among the groups gnomAD compares: Non-Finnish European, 0.00017%; no homozygotes.

Submission:

Labcorp Genetics (formerly Invitae), Labcorp
Classification: Likely pathogenic. Last evaluated: 2024-09-16. Review status: criteria provided, single submitter. Criteria: Invitae Variant Classification Sherloc (09022015). Collection method: clinical testing. Allele origin: germline.
Comment: This sequence change affects a donor splice site in intron 6 of the MPDZ gene. It is expected to disrupt RNA splicing. Variants that disrupt the donor or acceptor splice site typically lead to a loss of protein function (PMID: 16199547), and loss-of-function variants in MPDZ are known to be pathogenic (PMID: 23240096, 28556411). This variant is not present in population databases (gnomAD no frequency). This variant has not been reported in the literature in individuals affected with MPDZ-related conditions. ClinVar contains an entry for this variant (Variation ID: 2059286). Algorithms developed to predict the effect of sequence changes on RNA splicing suggest that this variant may disrupt the consensus splice site. In summary, the currently available evidence indicates that the variant is pathogenic, but additional data are needed to prove that conclusively. Therefore, this variant has been classified as Likely Pathogenic.

Literature cited by the submitters: PubMed 16199547; PubMed 23240096; PubMed 28556411.

NM_001378778.1(MPDZ):c.747+1G>A

Gene: MPDZ (multiple PDZ domain crumbs cell polarity complex component; minus strand). Cytogenetic location: 9p23.
Variant type: single nucleotide variant.
Coding change: c.747+1G>A on transcript NM_001378778.1 (MANE Select); the canonical splice donor site of the intron after coding-DNA position 747, G replaced by A.
Molecular consequence: splice donor variant.
Genome position (GRCh38, 1-based): chr9:13,222,232, C>T on the plus strand (G>A on the coding strand, the complement: MPDZ is on the minus strand). VCF-style: chr9-13222232-C-T. GRCh37 (hg19) VCF-style: chr9-13222231-C-T.
Other names: c.747+1G>A (NM_001375425.1, NM_001375420.1, NM_001375419.1 and 14 more transcripts).
Identifiers: ClinVar variation 2059286 (VCV002059286.4), dbSNP rs1959174597, ClinGen allele CA372946572.